The following is an entry in ClinVar:

ClinVar aggregate classification (germline): Likely pathogenic. Review status: criteria provided, multiple submitters, no conflicts (2 of 4 stars). 3 submissions from 3 submitters: Likely pathogenic (3). Last evaluated 2026-08-17.

Conditions:
Cardiovascular phenotype. Identifiers: MedGen CN230736.
Dilated cardiomyopathy 1G (CMD1G). Identifiers: Orphanet 154, MedGen C1858763, MONDO:0011400, OMIM 604145.
Autosomal recessive limb-girdle muscular dystrophy type 2J (LGMDR10). Also called: Limb-girdle muscular dystrophy, type 2J; MUSCULAR DYSTROPHY, LIMB-GIRDLE, AUTOSOMAL RECESSIVE 10. Identifiers: Orphanet 140922, MedGen C1837342, MONDO:0012127, OMIM 608807.
Primary dilated cardiomyopathy (DCM). Also called: Dilated Cardiomyopathy. Identifiers: Orphanet 217604, MedGen C0007193, MeSH D002311, MONDO:0005021, HP:0001644. Inheritance: Various modes of inheritance.

gnomAD v4.1: 1 of 1,612,926 alleles (0.000062%); highest among the groups gnomAD compares: Non-Finnish European, 0.000085%; no homozygotes.

Submissions (3):

Ambry Genetics
Classification: Likely pathogenic for Cardiovascular phenotype. Last evaluated: 2026-08-17. Review status: criteria provided, single submitter. Criteria: Ambry Variant Classification Scheme 2023. Collection method: clinical testing. Allele origin: germline.
Comment: The p.Y9147* variant (also known as c.27441T>G), located in coding exon 109 of the TTN gene, results from a T to G substitution at nucleotide position 27441. This changes the amino acid from a tyrosine to a stop codon within coding exon 109. This exon is located in the A-band region of the N2-B isoform of the titin protein and is constitutively expressed in TTN transcripts (percent spliced in or PSI 100%). This variant was reported in individual(s) with features consistent with left ventricular non-compaction (LVNC) (Mazzarotto F et al. Genet Med, 2021 May;23:856-864). Note, this variant is also referred to as NM_001267550.1: p.Y18212X (c.54636T>G) in the literature. This variant is expected to result in loss of function by premature protein truncation or nonsense-mediated mRNA decay. While truncating variants in TTN are present in 1-3% of the general population, truncating variants in the A-band are the most common cause of dilated cardiomyopathy (Herman DS et al. N. Engl. J. Med., 2012 Feb;366:619-28; Roberts AM et al. Sci Transl Med, 2015 Jan;7:270ra6). TTN truncating variants encoded in constitutive exons (PSI >90%) have been found to be significantly associated with DCM regardless of their position in titin (Schafer S et al. Nat. Genet., 2017 01;49:46-53; Akhtar MM et al. Circ Heart Fail, 2020 Oct;13:e006832; Massier M et al. Clin Genet, 2025 Jan). This variant is considered to be rare based on population cohorts in the Genome Aggregation Database (gnomAD). Based on the majority of available evidence to date, this variant is likely to be pathogenic.

Labcorp Genetics (formerly Invitae), Labcorp
Classification: Likely pathogenic for Dilated cardiomyopathy 1G; Autosomal recessive limb-girdle muscular dystrophy type 2J. Last evaluated: 2024-10-16. Review status: criteria provided, single submitter. Criteria: Invitae Variant Classification Sherloc (09022015). Collection method: clinical testing. Allele origin: germline.
Comment: This sequence change creates a premature translational stop signal (p.Tyr18212*) in the TTN gene. While this is not anticipated to result in nonsense mediated decay, it is expected to create a truncated TTN protein. This variant is not present in population databases (gnomAD no frequency). This premature translational stop signal has been observed in individual(s) with clinical features of TTN-related disorders (PMID: 33500567). ClinVar contains an entry for this variant (Variation ID: 47092). This variant is located in the A band of TTN (PMID: 25589632). Truncating variants in this region are significantly overrepresented in patients affected with dilated cardiomyopathy (PMID: 25589632). Truncating variants in this region have also been reported in individuals affected with autosomal recessive centronuclear myopathy (PMID: 23975875). In summary, the currently available evidence indicates that the variant is pathogenic, but additional data are needed to prove that conclusively. Therefore, this variant has been classified as Likely Pathogenic.

Laboratory for Molecular Medicine, Mass General Brigham Personalized Medicine
Classification: Likely pathogenic for Primary dilated cardiomyopathy. Last evaluated: 2023-01-19. Review status: criteria provided, single submitter. Criteria: ACMG Guidelines, 2015. Collection method: clinical testing. Allele origin: germline. Inheritance: Autosomal dominant inheritance.
Comment: This nonsense variant leads to a premature termination codon at position 15644, which is predicted to lead to a truncated or absent protein. TTN truncating variants encoded in constitutive exons (PSI >95%) have been found to be significantly associated with DCM regardless of their position in titin (Roberts 2015 PMID:25589632, Schafer 2017 PMID:27869827). This variant is located in such a highly expressed exon in the A-band. In summary, although additional studies are required to fully establish its clinical significance, the p.Tyr15644X variant meets criteria to be classified as likely pathogenic for autosomal dominant DCM. ACMG/AMP Criteria applied: PVS1, PM2_Supporting.

Literature cited by the submitters: PubMed 33500567 (cited by Ambry Genetics and Labcorp Genetics (formerly Invitae), Labcorp); PubMed 25589632 (cited by Labcorp Genetics (formerly Invitae), Labcorp and Laboratory for Molecular Medicine, Mass General Brigham Personalized Medicine); PubMed 23975875 (cited by Labcorp Genetics (formerly Invitae), Labcorp); PubMed 22335739 (cited by Laboratory for Molecular Medicine, Mass General Brigham Personalized Medicine); PubMed 24503780 (cited by Laboratory for Molecular Medicine, Mass General Brigham Personalized Medicine).

NM_001267550.2(TTN):c.54636T>G (p.Tyr18212Ter)

Genes: TTN (titin; minus strand), TTN-AS1 (TTN antisense RNA 1; plus strand). Cytogenetic location: 2q31.2.
Variant type: single nucleotide variant.
Coding change: c.54636T>G on transcript NM_001267550.2 (MANE Select); coding-DNA position 54636, T replaced by G.
Protein change: p.Tyr18212Ter; replaces tyrosine 18212 with a stop codon.
Molecular consequence: nonsense.
Genome position (GRCh38, 1-based): chr2:178,604,051, A>C on the plus strand (T>G on the coding strand, the complement: TTN is on the minus strand). VCF-style: chr2-178604051-A-C. GRCh37 (hg19) VCF-style: chr2-179468778-A-C.
Other names: c.46932T>G, p.Tyr15644Ter (NM_133378.4); c.49713T>G, p.Tyr16571Ter (NM_001256850.1); c.27441T>G, p.Tyr9147Ter (NM_003319.4); c.27816T>G, p.Tyr9272Ter (NM_133432.3); c.28017T>G, p.Tyr9339Ter (NM_133437.4); short protein forms Y18212*, Y15644*, Y9272*, Y9147*, Y9339*, Y16571*.
Identifiers: ClinVar variation 47092 (VCV000047092.10), dbSNP rs397517620, ClinGen allele CA261876.
Genomic context (GRCh38, chr2:178,604,051, plus strand): 5'-ATTAAATTCCACGCCTTTCAATCCCACTTTGGTTATTGGTGCTCGGCTAACACGTGACCA[A>C]TAAGGACTTCCCTCTTCTCTTTTCTCCAGCCAGTAGCCAGTAATTGGAGAGCCACCATTG-3'